The following is an entry in ClinVar:

NM_000969.5(RPL5):c.718T>C (p.Tyr240His)

Genes: DIPK1A (divergent protein kinase domain 1A; minus strand), RPL5 (ribosomal protein L5; plus strand). Cytogenetic location: 1p22.1.
Variant type: single nucleotide variant.
Coding change: c.718T>C on transcript NM_000969.5 (MANE Select); coding-DNA position 718, T replaced by C.
Protein change: p.Tyr240His; replaces tyrosine 240 with histidine.
Molecular consequence: missense variant. On other transcripts: non-coding transcript variant (1), intron variant (1).
Genome position (GRCh38, 1-based): chr1:92,840,563, T>C. VCF-style: chr1-92840563-T-C. GRCh37 (hg19) VCF-style: chr1-93306120-T-C.
Other names: c.474+6620A>G (NM_001252273.2); short protein forms Y240H.
Identifiers: ClinVar variation 1387481 (VCV001387481.8), dbSNP rs2100696942, ClinGen allele CA341243469.
Genomic context (GRCh38, chr1:92,840,563, plus strand): 5'-AGGGCACATGAAATGAAACCAAGTACTGTTTGCTTTCCTTTGTTTCAGATGGAGGAGATG[T>C]ATAAGAAAGCTCATGCTGCTATACGAGAGAATCCAGTCTATGAAAAGAAGCCCAAGAAAG-3'
Protein context (NP_000960.2, residues 230-250): SVTPDMMEEM[Tyr240His]KKAHAAIREN

ClinVar aggregate classification (germline): Uncertain significance (1 of 4 stars; one submission).

Conditions:
Diamond-Blackfan anemia. Also called: Blackfan Diamond syndrome; Aregenerative anemia chronic congenital; Red cell aplasia, pure hereditary; Congenital hypoplastic anemia; Aase syndrome. Identifiers: Orphanet 124, MedGen C1260899, MeSH D029503, MONDO:0015253, HP:0004810.

Allele frequency attached by ClinVar (database versions not stated): gnomAD exomes below 0.00001.
gnomAD v4.1: 2 of 1,612,838 alleles (0.00012%); highest among the groups gnomAD compares: Non-Finnish European, 0.00017%; no homozygotes.

Submission:

Labcorp Genetics (formerly Invitae), Labcorp
Classification: Uncertain significance for Diamond-Blackfan anemia. Last evaluated: 2021-07-27. Review status: criteria provided, single submitter. Criteria: Invitae Variant Classification Sherloc (09022015). Collection method: clinical testing. Allele origin: germline.
Comment: In summary, the available evidence is currently insufficient to determine the role of this variant in disease. Therefore, it has been classified as a Variant of Uncertain Significance. This variant is not present in population databases (ExAC no frequency). Algorithms developed to predict the effect of missense changes on protein structure and function are either unavailable or do not agree on the potential impact of this missense change (SIFT: "Deleterious"; PolyPhen-2: "Probably Damaging"; Align-GVGD: "Class C0"). This variant has not been reported in the literature in individuals affected with RPL5-related conditions. This sequence change replaces tyrosine with histidine at codon 240 of the RPL5 protein (p.Tyr240His). The tyrosine residue is highly conserved and there is a moderate physicochemical difference between tyrosine and histidine.